The following is an entry in ClinVar:

ClinVar aggregate classification (germline): Likely benign (1 of 4 stars; one submission).

Submission:

CeGaT Center for Human Genetics Tuebingen
Classification: Likely benign. Last evaluated: 2025-06-01. Review status: criteria provided, single submitter. Criteria: CeGaT Center For Human Genetics Tuebingen Variant Classification Criteria Version 2. Collection method: clinical testing. Allele origin: germline. Affected: yes. Observed: 1 variant allele.
Comment: SLC35E2B: BP4, BP7

NM_001290264.2(SLC35E2B):c.240G>C (p.Thr80=)

Gene: SLC35E2B (solute carrier family 35 member E2B; minus strand). Cytogenetic location: 1p36.33.
Variant type: single nucleotide variant.
Coding change: c.240G>C on transcript NM_001290264.2 (MANE Select); coding-DNA position 240, G replaced by C.
Protein change: p.Thr80=; no amino-acid change (threonine 80 retained).
Molecular consequence: synonymous variant.
Genome position (GRCh38, 1-based): chr1:1,676,460, C>G on the plus strand (G>C on the coding strand, the complement: SLC35E2B is on the minus strand). VCF-style: chr1-1676460-C-G. GRCh37 (hg19) VCF-style: chr1-1607899-C-G.
Other names: c.240G>C, p.Thr80= (NM_001110781.3).
Identifiers: ClinVar variation 3905348 (VCV003905348.10).